The following is an entry in ClinVar:

ClinVar aggregate classification (germline): Uncertain significance (1 of 4 stars; one submission).

Conditions:
Autosomal recessive limb-girdle muscular dystrophy type 2F (LGMDR6). Also called: Muscular dystrophy limb-girdle with delta-sarcoglyan deficiency; MUSCULAR DYSTROPHY, LIMB-GIRDLE, AUTOSOMAL RECESSIVE 6. Identifiers: Orphanet 219, MedGen C1832525, MONDO:0011028, OMIM 601287. Disease mechanism: Affects gamma-sarcoglycan and also disrupts the integrity of the entire sarcoglycan complex..

Allele frequency attached by ClinVar (database versions not stated): gnomAD exomes below 0.00001; gnomAD 0.00001; TOPMed 0.00001.
gnomAD v4.1: 2 of 1,612,060 alleles (0.00012%); highest among the groups gnomAD compares: African/African-American, 0.0027%; no homozygotes.

Submission:

Labcorp Genetics (formerly Invitae), Labcorp
Classification: Uncertain significance for Autosomal recessive limb-girdle muscular dystrophy type 2F. Last evaluated: 2021-12-19. Review status: criteria provided, single submitter. Criteria: Invitae Variant Classification Sherloc (09022015). Collection method: clinical testing. Allele origin: germline.
Comment: This sequence change replaces valine, which is neutral and non-polar, with leucine, which is neutral and non-polar, at codon 39 of the SGCD protein (p.Val39Leu). This variant is not present in population databases (gnomAD no frequency). This variant has not been reported in the literature in individuals affected with SGCD-related conditions. Algorithms developed to predict the effect of missense changes on protein structure and function (SIFT, PolyPhen-2, Align-GVGD) all suggest that this variant is likely to be tolerated. In summary, the available evidence is currently insufficient to determine the role of this variant in disease. Therefore, it has been classified as a Variant of Uncertain Significance.

NM_000337.6(SGCD):c.115G>C (p.Val39Leu)

Gene: SGCD (sarcoglycan delta; plus strand). Cytogenetic location: 5q33.3.
Variant type: single nucleotide variant.
Coding change: c.115G>C on transcript NM_000337.6 (MANE Select); coding-DNA position 115, G replaced by C.
Protein change: p.Val39Leu; replaces valine 39 with leucine.
Molecular consequence: missense variant.
Genome position (GRCh38, 1-based): chr5:156,344,600, G>C. VCF-style: chr5-156344600-G-C. GRCh37 (hg19) VCF-style: chr5-155771610-G-C.
Other names: c.112G>C, p.Val38Leu (NM_001128209.2); c.115G>C, p.Val39Leu (NM_172244.3); short protein forms V38L, V39L.
Identifiers: ClinVar variation 1918451 (VCV001918451.5), dbSNP rs1768850304, ClinGen allele CA362007723.